The following is an entry in ClinVar:

ClinVar aggregate classification (germline): Uncertain significance. Review status: criteria provided, multiple submitters, no conflicts (2 of 4 stars). 2 submissions from 2 submitters: Uncertain significance (2). Last evaluated 2025-05-21.

Allele frequency attached by ClinVar (database versions not stated): gnomAD 0.00001; gnomAD exomes 0.00001.
gnomAD v4.1: 8 of 1,594,650 alleles (0.0005%); highest among the groups gnomAD compares: Admixed American, 0.013%; no homozygotes.

Submissions (2):

Labcorp Genetics (formerly Invitae), Labcorp
Classification: Uncertain significance. Last evaluated: 2025-05-21. Review status: criteria provided, single submitter. Criteria: Invitae Variant Classification Sherloc (09022015). Collection method: clinical testing. Allele origin: germline.
Comment: This sequence change replaces aspartic acid, which is acidic and polar, with glycine, which is neutral and non-polar, at codon 628 of the GUF1 protein (p.Asp628Gly). This variant is present in population databases (no rsID available, gnomAD 0.007%). This variant has not been reported in the literature in individuals affected with GUF1-related conditions. ClinVar contains an entry for this variant (Variation ID: 1478748). An algorithm developed to predict the effect of missense changes on protein structure and function (PolyPhen-2) suggests that this variant is likely to be disruptive. In summary, the available evidence is currently insufficient to determine the role of this variant in disease. Therefore, it has been classified as a Variant of Uncertain Significance.

Ambry Genetics
Classification: Uncertain significance. Last evaluated: 2025-02-18. Review status: criteria provided, single submitter. Criteria: Ambry Variant Classification Scheme 2023. Collection method: clinical testing. Allele origin: germline.

NM_021927.3(GUF1):c.1883A>G (p.Asp628Gly)

Gene: GUF1 (GTP binding elongation factor GUF1; plus strand). Cytogenetic location: 4p12.
Variant type: single nucleotide variant.
Coding change: c.1883A>G on transcript NM_021927.3 (MANE Select); coding-DNA position 1883, A replaced by G.
Protein change: p.Asp628Gly; replaces aspartic acid 628 with glycine.
Molecular consequence: missense variant.
Genome position (GRCh38, 1-based): chr4:44,698,554, A>G. VCF-style: chr4-44698554-A-G. GRCh37 (hg19) VCF-style: chr4-44700571-A-G.
Other names: c.1883A>G (NM_021927.2); c.911A>G, p.Asp304Gly (NM_001345867.2, NM_001345869.2); c.1763A>G, p.Asp588Gly (NM_001345868.2); short protein forms D304G, D628G, D588G.
Identifiers: ClinVar variation 1478748 (VCV001478748.9), dbSNP rs1433183113, ClinGen allele CA356765368.